The following is an entry in ClinVar:

NM_000337.6(SGCD):c.*1373A>G

Gene: SGCD (sarcoglycan delta; plus strand). Cytogenetic location: 5q33.3.
Variant type: single nucleotide variant.
Coding change: c.*1373A>G on transcript NM_000337.6 (MANE Select); 1373 bases downstream of the stop codon, A replaced by G.
Molecular consequence: 3 prime UTR variant.
Genome position (GRCh38, 1-based): chr5:156,760,763, A>G. VCF-style: chr5-156760763-A-G. GRCh37 (hg19) VCF-style: chr5-156187774-A-G.
Other names: c.*1373A>G (NM_001128209.2).
Identifiers: ClinVar variation 352352 (VCV000352352.7), dbSNP rs72803041, ClinGen allele CA10623852.

ClinVar aggregate classification (germline): Benign/Likely benign. Review status: criteria provided, multiple submitters, no conflicts (2 of 4 stars). 2 submissions from 2 submitters: Benign (1); Likely benign (1). Last evaluated 2018-01-13.

Conditions:
Qualitative or quantitative defects of delta-sarcoglycan. Identifiers: Orphanet 207070, MedGen C5680806, MONDO:0016144.

Allele frequency attached by ClinVar (database versions not stated): gnomAD exomes 0.03617; gnomAD 0.08347 and 0.08567; TOPMed 0.09324; 1000 Genomes Project 0.09884; 1000 Genomes Project 30x 0.10212.
gnomAD v4.1: 12,678 of 152,704 alleles (8.3%); highest among the groups gnomAD compares: African/African-American, 19%; 872 homozygotes.

Submissions (2):

Illumina Laboratory Services, Illumina
Classification: Benign for Qualitative or quantitative defects of delta-sarcoglycan. Last evaluated: 2018-01-13. Review status: criteria provided, single submitter. Criteria: ICSL Variant Classification Criteria 13 December 2019. Collection method: clinical testing. Allele origin: germline.
Comment: This variant was observed in the ICSL laboratory as part of a predisposition screen in an ostensibly healthy population. It had not been previously curated by ICSL or reported in the Human Gene Mutation Database (HGMD: prior to June 1st, 2018), and was therefore a candidate for classification through an automated scoring system. Utilizing variant allele frequency, disease prevalence and penetrance estimates, and inheritance mode, an automated score was calculated to assess if this variant is too frequent to cause the disease. Based on the score and internal cut-off values, a variant classified as benign is not then subjected to further curation. The score for this variant resulted in a classification of benign for this disease.

Breakthrough Genomics
Classification: Likely benign. Review status: criteria provided, single submitter. Criteria: ACMG Guidelines, 2015. Collection method: not provided. Allele origin: germline. Inheritance: Autosomal recessive inheritance. Affected: yes.